The following is an entry in ClinVar:

NM_020442.6(VARS2):c.2677C>T (p.His893Tyr)

Gene: VARS2 (valyl-tRNA synthetase 2, mitochondrial; plus strand). Cytogenetic location: 6p21.33.
Variant type: single nucleotide variant.
Coding change: c.2677C>T on transcript NM_020442.6 (MANE Select); coding-DNA position 2677, C replaced by T.
Protein change: p.His893Tyr; replaces histidine 893 with tyrosine.
Molecular consequence: missense variant.
Genome position (GRCh38, 1-based): chr6:30,925,277, C>T. VCF-style: chr6-30925277-C-T. GRCh37 (hg19) VCF-style: chr6-30893054-C-T.
Other names: c.2257C>T, p.His753Tyr (NM_001167733.3); c.2767C>T, p.His923Tyr (NM_001167734.2); c.2767C>T (NM_001167734.1); short protein forms H753Y, H893Y, H923Y.
Identifiers: ClinVar variation 2148763 (VCV002148763.4), dbSNP rs150792425, ClinGen allele CA3706351.
Genomic context (GRCh38, chr6:30,925,277, plus strand): 5'-TTGGTACTGAGTCTCCCAGGAGCCCCTTTGCCAATTCTGGGTCCCCCCCATTGCCAGGAG[C>T]ACTGGCGCCAGCCAGAGCTGGAGCGGCGCTTCTCCCGGGTCCAAGAGGTCGTGCAGGTGC-3'
Protein context (NP_065175.4, residues 883-903): APYPSACSLE[His893Tyr]WRQPELERRF

ClinVar aggregate classification (germline): Uncertain significance. Review status: criteria provided, multiple submitters, no conflicts (2 of 4 stars). 3 submissions from 3 submitters: Uncertain significance (3). Last evaluated 2024-02-14.

Conditions:
Inborn genetic diseases. Identifiers: MedGen C0950123, MeSH D030342.

Allele frequency attached by ClinVar (database versions not stated): gnomAD exomes 0.00007; gnomAD 0.00008; ExAC 0.00024; 1000 Genomes Project 0.00040; 1000 Genomes Project 30x 0.00047; ESP Exome Variant Server 0.00071; TOPMed 0.00014.
gnomAD v4.1: 125 of 1,610,590 alleles (0.0078%); highest among the groups gnomAD compares: Middle Eastern, 0.083%; 1 homozygote.

Submissions (3):

GeneDx
Classification: Uncertain significance. Last evaluated: 2024-02-14. Review status: criteria provided, single submitter. Criteria: GeneDx Variant Classification Process June 2021. Collection method: clinical testing. Allele origin: germline.
Comment: In silico analysis supports that this missense variant does not alter protein structure/function; Has not been previously published as pathogenic or benign to our knowledge

Labcorp Genetics (formerly Invitae), Labcorp
Classification: Uncertain significance. Last evaluated: 2022-07-04. Review status: criteria provided, single submitter. Criteria: Invitae Variant Classification Sherloc (09022015). Collection method: clinical testing. Allele origin: germline.
Comment: This sequence change replaces histidine, which is basic and polar, with tyrosine, which is neutral and polar, at codon 923 of the VARS2 protein (p.His923Tyr). This variant is present in population databases (rs150792425, gnomAD 0.05%), including at least one homozygous and/or hemizygous individual. This variant has not been reported in the literature in individuals affected with VARS2-related conditions. Algorithms developed to predict the effect of missense changes on protein structure and function are either unavailable or do not agree on the potential impact of this missense change (SIFT: "Tolerated"; PolyPhen-2: "Possibly Damaging"; Align-GVGD: "Class C0"). In summary, the available evidence is currently insufficient to determine the role of this variant in disease. Therefore, it has been classified as a Variant of Uncertain Significance.

Ambry Genetics
Classification: Uncertain significance for Inborn genetic diseases. Last evaluated: 2021-10-09. Review status: criteria provided, single submitter. Criteria: Ambry Variant Classification Scheme 2023. Collection method: clinical testing. Allele origin: germline.